The following is an entry in ClinVar:

NM_005359.6(SMAD4):c.541A>G (p.Thr181Ala)

Gene: SMAD4 (SMAD family member 4; plus strand). Cytogenetic location: 18q21.2.
Variant type: single nucleotide variant.
Coding change: c.541A>G on transcript NM_005359.6 (MANE Select); coding-DNA position 541, A replaced by G.
Protein change: p.Thr181Ala; replaces threonine 181 with alanine.
Molecular consequence: missense variant.
Genome position (GRCh38, 1-based): chr18:51,054,867, A>G. VCF-style: chr18-51054867-A-G. GRCh37 (hg19) VCF-style: chr18-48581237-A-G.
Other names: short protein forms T181A.
Identifiers: ClinVar variation 845640 (VCV000845640.10), dbSNP rs1599186888, ClinGen allele CA402460889.

ClinVar aggregate classification (germline): Uncertain significance. Review status: criteria provided, multiple submitters, no conflicts (2 of 4 stars). 2 submissions from 2 submitters: Uncertain significance (2). Last evaluated 2023-12-01.

Conditions:
Juvenile polyposis syndrome (JPS). Identifiers: Orphanet 2929, MedGen C0345893, MONDO:0017380, OMIM 174900.
Juvenile polyposis/hereditary hemorrhagic telangiectasia syndrome (JPHT). Also called: JP/HHT SYNDROME; JUVENILE POLYPOSIS WITH HEREDITARY HEMORRHAGIC TELANGIECTASIA; POLYPOSIS, GENERALIZED JUVENILE, WITH PULMONARY ARTERIOVENOUS MALFORMATION; TELANGIECTASIA, HEREDITARY HEMORRHAGIC, WITH JUVENILE POLYPOSIS COLI; Juvenile Polyposis Syndrome / Hereditary Hemorrhagic Telangiectasia (JPS/HHT). Identifiers: Orphanet 2929, MedGen C1832942, MONDO:0008278, OMIM 175050.

Allele frequency attached by ClinVar (database versions not stated): gnomAD exomes below 0.00001.
gnomAD v4.1: 1 of 1,614,112 alleles (0.000062%); highest among the groups gnomAD compares: Non-Finnish European, 0.000085%; no homozygotes.

Submissions (2):

All of Us Research Program, National Institutes of Health
Classification: Uncertain significance for Juvenile polyposis/hereditary hemorrhagic telangiectasia syndrome. Last evaluated: 2023-12-01. Review status: criteria provided, single submitter. Criteria: ACMG Guidelines, 2015. Collection method: clinical testing. Allele origin: germline. Inheritance: Autosomal dominant inheritance. Observed: 1 variant allele, 1 heterozygote.
Comment: This study involves interpretation of variants in research participants for the purpose of population health screening. Participant phenotype was not available at the time of variant classification. Additional details can be found in publication PMID: 35346344, PMCID: PMC8962531

Labcorp Genetics (formerly Invitae), Labcorp
Classification: Uncertain significance for Juvenile polyposis syndrome. Last evaluated: 2022-04-08. Review status: criteria provided, single submitter. Criteria: Invitae Variant Classification Sherloc (09022015). Collection method: clinical testing. Allele origin: germline.
Comment: In summary, the available evidence is currently insufficient to determine the role of this variant in disease. Therefore, it has been classified as a Variant of Uncertain Significance. Advanced modeling of protein sequence and biophysical properties (such as structural, functional, and spatial information, amino acid conservation, physicochemical variation, residue mobility, and thermodynamic stability) performed at Invitae indicates that this missense variant is not expected to disrupt SMAD4 protein function. ClinVar contains an entry for this variant (Variation ID: 845640). This variant has not been reported in the literature in individuals affected with SMAD4-related conditions. This variant is not present in population databases (gnomAD no frequency). This sequence change replaces threonine, which is neutral and polar, with alanine, which is neutral and non-polar, at codon 181 of the SMAD4 protein (p.Thr181Ala).